The following is an entry in ClinVar:

NM_000548.5(TSC2):c.2546-4G>A

Gene: TSC2 (TSC complex subunit 2; plus strand). Cytogenetic location: 16p13.3.
Variant type: single nucleotide variant.
Coding change: c.2546-4G>A on transcript NM_000548.5 (MANE Select); 4 bases into the intron before coding-DNA position 2546, G replaced by A.
Molecular consequence: intron variant.
Genome position (GRCh38, 1-based): chr16:2,075,795, G>A. VCF-style: chr16-2075795-G-A. GRCh37 (hg19) VCF-style: chr16-2125796-G-A.
Other names: c.2546-4G>A (NM_001114382.3, NM_021055.3, NM_001370405.1 and 3 more transcripts); c.2435-4G>A (NM_001318827.2); c.1946-4G>A (NM_001318831.2); c.2399-4G>A (NM_001318829.2); c.2579-4G>A (NM_001318832.2).
Identifiers: ClinVar variation 221070 (VCV000221070.25), dbSNP rs746958032, ClinGen allele CA039898.

ClinVar aggregate classification (germline): Benign/Likely benign. Review status: criteria provided, multiple submitters, no conflicts (2 of 4 stars). 8 submissions from 8 submitters: Benign (2); Likely benign (6). Last evaluated 2026-01-16.

Conditions:
Hereditary cancer-predisposing syndrome. Also called: Tumor predisposition; Neoplastic Syndromes, Hereditary; Hereditary Cancer Syndrome; Hereditary neoplastic syndrome. Identifiers: Orphanet 140162, MedGen C0027672, MeSH D009386, MONDO:0015356.
Tuberous sclerosis syndrome (TSC). Also called: Tuberous Sclerosis Complex; Tuberous sclerosis. Identifiers: Orphanet 805, MedGen C0041341, MONDO:0001734.
Tuberous sclerosis 2 (TSC2). Identifiers: Orphanet 805, MedGen C1860707, MONDO:0013199, OMIM 613254.

Allele frequency attached by ClinVar (database versions not stated): gnomAD 0.00001; gnomAD exomes 0.00003.

Submissions (8):

Labcorp Genetics (formerly Invitae), Labcorp
Classification: Benign for Tuberous sclerosis 2. Last evaluated: 2026-01-16. Review status: criteria provided, single submitter. Criteria: Invitae Variant Classification Sherloc (09022015). Collection method: clinical testing. Allele origin: germline.

Myriad Genetics, Inc.
Classification: Likely benign for Tuberous sclerosis 2. Last evaluated: 2025-05-20. Review status: criteria provided, single submitter. Criteria: Myriad Autosomal Dominant, Autosomal Recessive and X-Linked Classification Criteria (2023). Collection method: clinical testing. Allele origin: unknown.
Comment: This variant is considered likely benign. This variant is intronic and is not expected to impact mRNA splicing.

Color Diagnostics, LLC DBA Color Health
Classification: Likely benign for Tuberous sclerosis syndrome. Last evaluated: 2022-11-29. Review status: criteria provided, single submitter. Criteria: ACMG Guidelines, 2015. Collection method: clinical testing. Allele origin: germline.

Blueprint Genetics
Classification: Likely benign. Last evaluated: 2022-06-08. Review status: criteria provided, single submitter. Criteria: ACMG Guidelines, 2015. Collection method: clinical testing. Allele origin: germline.

Genome-Nilou Lab
Classification: Likely benign for Tuberous sclerosis 2. Last evaluated: 2021-11-07. Review status: criteria provided, single submitter. Criteria: ACMG Guidelines, 2015. Collection method: clinical testing. Allele origin: germline. Affected: no.

Sema4
Classification: Likely benign for Hereditary cancer-predisposing syndrome. Last evaluated: 2020-11-03. Review status: criteria provided, single submitter. Criteria: Sema4 Curation Guidelines. Collection method: curation. Allele origin: germline.

Ambry Genetics
Classification: Benign for Hereditary cancer-predisposing syndrome. Last evaluated: 2020-10-16. Review status: criteria provided, single submitter. Criteria: Ambry Variant Classification Scheme 2023. Collection method: clinical testing. Allele origin: germline.

GeneDx
Classification: Likely benign. Last evaluated: 2017-11-07. Review status: criteria provided, single submitter. Criteria: GeneDx Variant Classification (06012015). Collection method: clinical testing. Allele origin: germline. Affected: yes.
Comment: This variant is considered likely benign or benign based on one or more of the following criteria: it is a conservative change, it occurs at a poorly conserved position in the protein, it is predicted to be benign by multiple in silico algorithms, and/or has population frequency not consistent with disease.